The following is an entry in ClinVar:

ClinVar aggregate classification (germline): Conflicting classifications of pathogenicity. Review status: criteria provided, conflicting classifications (1 of 4 stars). 5 submissions from 5 submitters: Pathogenic (1); Likely pathogenic (1); Uncertain significance (3). Last evaluated 2024-09-04.

Conditions:
Inborn genetic diseases. Identifiers: MedGen C0950123, MeSH D030342.
Heyn-Sproul-Jackson syndrome. Also called: MICROCEPHALY, SHORT STATURE, AND IMPAIRED INTELLECTUAL DEVELOPMENT. Identifiers: Orphanet 658595, MedGen C5231475, MONDO:0032882, OMIM 618724.
Tatton-Brown-Rahman overgrowth syndrome. Also called: Tall stature-intellectual disability-facial dysmorphism syndrome; Tatton-Brown-Rahman syndrome. Identifiers: Orphanet 404443, MedGen C4014545, MONDO:0014382, OMIM 615879.

Submissions (5):

Ambry Genetics
Classification: Likely pathogenic for Inborn genetic diseases. Last evaluated: 2024-09-04. Review status: criteria provided, single submitter. Criteria: Ambry Variant Classification Scheme 2023. Collection method: clinical testing. Allele origin: germline.
Comment: The c.911_913delCCT (p.S304del) alteration is located in exon 8 (coding exon 7) of the DNMT3A gene. This alteration consists of an in-frame deletion of 3 nucleotides from nucleotide position c.911 to c.913, resulting in the deletion of a serine at amino acid position 304. for Heyn-Sproul-Jackson syndrome; however, its clinical significance for Tatton-Brown-Rahman syndrome is uncertain. This variant was not reported in population-based cohorts in the Genome Aggregation Database (gnomAD). This variant was reported in multiple individuals with features consistent with Heyn-Sproul-Jackson syndrome; in at least one individual, this variant has been determined to be the result of a de novo mutation (Wang, 2023; external communications). This amino acid position is highly conserved in available vertebrate species. This alteration is predicted to be deleterious by in silico analysis (Choi, 2012). Based on the available evidence, this alteration is classified as likely pathogenic.

3billion
Classification: Uncertain significance for Heyn-Sproul-Jackson syndrome. Last evaluated: 2023-02-23. Review status: criteria provided, single submitter. Criteria: ACMG Guidelines, 2015. Collection method: clinical testing. Allele origin: unknown. Affected: yes.
Comment: The variant is not observed in the gnomAD v2.1.1 dataset. Inframe deletion located in a nonrepeat region was predicted to change the length of the protein and disrupt normal protein function. The variant has been reported as pathogenic and VUS for DNMT3A -related disorder (ClinVar ID: VCV000916110). The evidence of pathogenicity is insufficient at this time. Therefore, this variant is classified as VUS according to the recommendation of ACMG/AMP guideline.

Labcorp Genetics (formerly Invitae), Labcorp
Classification: Uncertain significance for Tatton-Brown-Rahman overgrowth syndrome. Last evaluated: 2022-09-26. Review status: criteria provided, single submitter. Criteria: Invitae Variant Classification Sherloc (09022015). Collection method: clinical testing. Allele origin: germline.
Comment: This variant, c.911_913del, results in the deletion of 1 amino acid(s) of the DNMT3A protein (p.Ser304del), but otherwise preserves the integrity of the reading frame. This variant is not present in population databases (gnomAD no frequency). This variant has not been reported in the literature in individuals affected with DNMT3A-related conditions. ClinVar contains an entry for this variant (Variation ID: 916110). Experimental studies and prediction algorithms are not available or were not evaluated, and the functional significance of this variant is currently unknown. In summary, the available evidence is currently insufficient to determine the role of this variant in disease. Therefore, it has been classified as a Variant of Uncertain Significance.

Laboratory of Molecular Genetics (Pr. Bezieau's lab), CHU de Nantes
Classification: Pathogenic. Last evaluated: 2019-10-29. Review status: criteria provided, single submitter. Criteria: ACMG Guidelines, 2015. Collection method: clinical testing. Allele origin: germline. Affected: yes.

Neuberg Centre For Genomic Medicine, NCGM
Classification: Uncertain significance for Heyn-Sproul-Jackson syndrome. Review status: criteria provided, single submitter. Criteria: ACMG Guidelines, 2015. Collection method: clinical testing. Allele origin: germline. Affected: yes.
Comment: The in-frame deletion p.S304del in DNMT3A (NM_175629.2) has been previously submitted to ClinVar with conflicting interpretations of pathogenicity (Uncertain Significance/Likely Pathogenic). It has not been reported in literature and hence independent assesment of submitted classification is not possible. The p.S304del variant is novel (not in any individuals) in gnomAD Exomes and is novel (not in any individuals) in 1000 Genomes. This variant results in a deletion of a serine at position 304 of the DNMT3A gene. However, as this is an in-frame deletion, it is not expected to result in either a truncated protein product or loss of protein through nonsense-mediated mRNA decay. The p.S304del variant is not in a repeat region. The p.S304del variant results in a deletion of 3 bases that are predicted conserved by GERP++ and PhyloP. The nucleotide c.911 in DNMT3A is predicted conserved by GERP++ and PhyloP across 100 vertebrates. For these reasons, this variant has been classified as Uncertain Significance.

Literature cited by the submitters: PubMed 11836534 (cited by Ambry Genetics); PubMed 15456878 (cited by Ambry Genetics); PubMed 16357870 (cited by Ambry Genetics); PubMed 26912663 (cited by Ambry Genetics); PubMed 30478443 (cited by Ambry Genetics).

NM_022552.5(DNMT3A):c.911_913del (p.Ser304del)

Gene: DNMT3A (DNA methyltransferase 3 alpha; minus strand). Cytogenetic location: 2p23.3.
Variant type: Deletion.
Coding change: c.911_913del on transcript NM_022552.5 (MANE Select); coding-DNA positions 911 to 913, 3 bases deleted (CCT; older notation c.911_913delCCT).
Protein change: p.Ser304del; deletes serine 304.
Molecular consequence: inframe deletion. On other transcripts: non-coding transcript variant (1).
Genome position (GRCh38, 1-based): chr2:25,247,692-25,247,694, AGG deleted on the plus strand (CCT on the coding strand, the reverse complement: DNMT3A is on the minus strand); deleting any 3 consecutive bases within chr2:25,247,692-25,247,696 gives the same sequence; the c. name uses the placement nearest the transcript's 3' end. VCF-style (leftmost placement, unchanged base first): chr2-25247691-CAGG-C. GRCh37 (hg19) VCF-style: chr2-25470560-CAGG-C.
Other names: c.911_913delCCT (NM_175629.2); c.455_457del, p.Ser152del (NM_001320893.1); c.242_244del, p.Ser81del (NM_001375819.1); c.344_346del, p.Ser115del (NM_153759.3); c.911_913del, p.Ser304del (NM_175629.2); short protein forms S115del, S152del, S304del, S81del.
Identifiers: ClinVar variation 916110 (VCV000916110.10), dbSNP rs1674984864, ClinGen allele CA1139655565.